The following is an entry in ClinVar:

ClinVar aggregate classification (germline): Uncertain significance. Review status: criteria provided, multiple submitters, no conflicts (2 of 4 stars). 2 submissions from 2 submitters: Uncertain significance (2). Last evaluated 2023-10-03.

Conditions:
Inborn genetic diseases. Identifiers: MedGen C0950123, MeSH D030342.

Allele frequency attached by ClinVar (database versions not stated): TOPMed below 0.00001; ExAC 0.00001; gnomAD exomes 0.00001.

Submissions (2):

Labcorp Genetics (formerly Invitae), Labcorp
Classification: Uncertain significance. Last evaluated: 2023-10-03. Review status: criteria provided, single submitter. Criteria: Invitae Variant Classification Sherloc (09022015). Collection method: clinical testing. Allele origin: germline.
Comment: This sequence change replaces alanine, which is neutral and non-polar, with valine, which is neutral and non-polar, at codon 270 of the IHH protein (p.Ala270Val). This variant is present in population databases (rs749777278, gnomAD 0.002%). This variant has not been reported in the literature in individuals affected with IHH-related conditions. ClinVar contains an entry for this variant (Variation ID: 1358745). Advanced modeling of protein sequence and biophysical properties (such as structural, functional, and spatial information, amino acid conservation, physicochemical variation, residue mobility, and thermodynamic stability) performed at Invitae indicates that this missense variant is not expected to disrupt IHH protein function. In summary, the available evidence is currently insufficient to determine the role of this variant in disease. Therefore, it has been classified as a Variant of Uncertain Significance.

Ambry Genetics
Classification: Uncertain significance for Inborn genetic diseases. Last evaluated: 2023-03-27. Review status: criteria provided, single submitter. Criteria: Ambry Variant Classification Scheme 2023. Collection method: clinical testing. Allele origin: germline.

NM_002181.4(IHH):c.809C>T (p.Ala270Val)

Gene: IHH (Indian hedgehog signaling molecule; minus strand). Cytogenetic location: 2q35.
Variant type: single nucleotide variant.
Coding change: c.809C>T on transcript NM_002181.4 (MANE Select); coding-DNA position 809, C replaced by T.
Protein change: p.Ala270Val; replaces alanine 270 with valine.
Molecular consequence: missense variant.
Genome position (GRCh38, 1-based): chr2:219,055,634, G>A on the plus strand (C>T on the coding strand, the complement: IHH is on the minus strand). VCF-style: chr2-219055634-G-A. GRCh37 (hg19) VCF-style: chr2-219920356-G-A.
Other names: c.809C>T (NM_002181.3); short protein forms A270V.
Identifiers: ClinVar variation 1358745 (VCV001358745.9), dbSNP rs749777278, ClinGen allele CA2116599.